The following is an entry in ClinVar:

NM_001374259.2(IL12RB2):c.1492C>T (p.Arg498Cys)

Gene: IL12RB2 (interleukin 12 receptor subunit beta 2; plus strand). Cytogenetic location: 1p31.3.
Variant type: single nucleotide variant.
Coding change: c.1492C>T on transcript NM_001374259.2 (MANE Select); coding-DNA position 1492, C replaced by T.
Protein change: p.Arg498Cys; replaces arginine 498 with cysteine.
Molecular consequence: missense variant. On other transcripts: non-coding transcript variant (2), intron variant (1).
Genome position (GRCh38, 1-based): chr1:67,372,468, C>T. VCF-style: chr1-67372468-C-T. GRCh37 (hg19) VCF-style: chr1-67838151-C-T.
Other names: c.1492C>T, p.Arg498Cys (NM_001258214.1, NM_001258216.1, NM_001319233.1 and 1 more transcripts); c.1459+4443C>T (NM_001258215.1); short protein forms R498C.
Identifiers: ClinVar variation 3613353 (VCV003613353.2).

ClinVar aggregate classification (germline): Uncertain significance (1 of 4 stars; one submission).

Submission:

Labcorp Genetics (formerly Invitae), Labcorp
Classification: Uncertain significance. Last evaluated: 2026-01-17. Review status: criteria provided, single submitter. Criteria: Invitae Variant Classification Sherloc (09022015). Collection method: clinical testing. Allele origin: germline.
Comment: This sequence change replaces arginine, which is basic and polar, with cysteine, which is neutral and slightly polar, at codon 498 of the IL12RB2 protein (p.Arg498Cys). This variant is present in population databases (no rsID available, gnomAD 0.004%). This variant has not been reported in the literature in individuals affected with IL12RB2-related conditions. ClinVar contains an entry for this variant (Variation ID: 3613353). An algorithm developed to predict the effect of missense changes on protein structure and function (PolyPhen-2) suggests that this variant is likely to be tolerated. Algorithms developed to predict the effect of sequence changes on RNA splicing suggest that this variant may disrupt the consensus splice site. In summary, the available evidence is currently insufficient to determine the role of this variant in disease. Therefore, it has been classified as a Variant of Uncertain Significance.